The following is an entry in ClinVar:

NM_000218.3(KCNQ1):c.385G>A (p.Val129Ile)

Gene: KCNQ1 (potassium voltage-gated channel subfamily Q member 1; plus strand). Cytogenetic location: 11p15.5.
Variant type: single nucleotide variant.
Coding change: c.385G>A on transcript NM_000218.3 (MANE Select); coding-DNA position 385, G replaced by A.
Protein change: p.Val129Ile; replaces valine 129 with isoleucine.
Molecular consequence: missense variant.
Genome position (GRCh38, 1-based): chr11:2,445,483, G>A. VCF-style: chr11-2445483-G-A. GRCh37 (hg19) VCF-style: chr11-2466713-G-A.
Other names: c.385G>A (LRG_287t1); short protein forms V129I.
Identifiers: ClinVar variation 67068 (VCV000067068.9), dbSNP rs199472683, ClinGen allele CA006933.

ClinVar aggregate classification (germline): Uncertain significance. Review status: criteria provided, multiple submitters, no conflicts (2 of 4 stars). 4 submissions from 4 submitters: Uncertain significance (3). 1 of the submissions does not count toward it. Last evaluated 2026-01-19.

Conditions:
Long QT syndrome (LQTS). Identifiers: MedGen C0023976, MeSH D008133, MONDO:0002442. Disease mechanism: loss of function. Inheritance: Various modes of inheritance.

Allele frequency attached by ClinVar (database versions not stated): ExAC 0.00001; gnomAD exomes 0.00002; gnomAD 0.00004; TOPMed 0.00005.

Submissions (4):

Labcorp Genetics (formerly Invitae), Labcorp
Classification: Uncertain significance for Long QT syndrome. Last evaluated: 2026-01-19. Review status: criteria provided, single submitter. Criteria: Invitae Variant Classification Sherloc (09022015). Collection method: clinical testing. Allele origin: germline.
Comment: This sequence change replaces valine, which is neutral and non-polar, with isoleucine, which is neutral and non-polar, at codon 129 of the KCNQ1 protein (p.Val129Ile). The frequency data for this variant in the population databases is considered unreliable, as metrics indicate poor data quality at this position in the gnomAD database. This variant has not been reported in the literature in individuals affected with KCNQ1-related conditions. ClinVar contains an entry for this variant (Variation ID: 67068). Invitae Evidence Modeling of protein sequence and biophysical properties (such as structural, functional, and spatial information, amino acid conservation, physicochemical variation, residue mobility, and thermodynamic stability) has been performed for this missense variant. However, the output from this modeling did not meet the statistical confidence thresholds required to predict the impact of this variant on KCNQ1 protein function. Experimental studies have shown that this missense change does not substantially affect KCNQ1 function (PMID: 29532034, 30571187). This variant disrupts the p.Val129 amino acid residue in KCNQ1. Other variant(s) that disrupt this residue have been observed in individuals with KCNQ1-related conditions (PMID: 27920829; internal data), which suggests that this may be a clinically significant amino acid residue. In summary, the available evidence is currently insufficient to determine the role of this variant in disease. Therefore, it has been classified as a Variant of Uncertain Significance.

GeneDx
Classification: Uncertain significance. Last evaluated: 2025-06-12. Review status: criteria provided, single submitter. Criteria: GeneDx Variant Classification Process June 2021. Collection method: clinical testing. Allele origin: germline. Affected: yes.
Comment: Not observed at significant frequency in large population cohorts (gnomAD); In silico analysis suggests that this missense variant does not alter protein structure/function; Has not been previously published as pathogenic or benign to our knowledge; This variant is associated with the following publications: (PMID: 14661677, 32797034, 36339618, 35442947, 30571187, 29532034, 19841300)

Blueprint Genetics
Classification: Uncertain significance. Last evaluated: 2018-05-31. Review status: criteria provided, single submitter. Criteria: ACMG Guidelines, 2015. Collection method: clinical testing. Allele origin: germline.

Cardiovascular Biomedical Research Unit, Royal Brompton & Harefield NHS Foundation Trust
No classification provided. Review status: no classification provided. Collection method: literature only. Allele origin: germline. Not counted in ClinVar's aggregate classification.
Comment: This variant has been reported in the following publications (PMID:14661677;PMID:19841300).

Literature cited by the submitters: PubMed 29532034 (cited by Labcorp Genetics (formerly Invitae), Labcorp); PubMed 30571187 (cited by Labcorp Genetics (formerly Invitae), Labcorp); PubMed 27920829 (cited by Labcorp Genetics (formerly Invitae), Labcorp); PubMed 14661677 (cited by Cardiovascular Biomedical Research Unit, Royal Brompton & Harefield NHS Foundation Trust); PubMed 19841300 (cited by Cardiovascular Biomedical Research Unit, Royal Brompton & Harefield NHS Foundation Trust); PubMed 22581653 (cited by Cardiovascular Biomedical Research Unit, Royal Brompton & Harefield NHS Foundation Trust).